The following is an entry in ClinVar:

ClinVar aggregate classification (germline): Uncertain significance. Review status: criteria provided, multiple submitters, no conflicts (2 of 4 stars). 2 submissions from 2 submitters: Uncertain significance (2). Last evaluated 2025-08-06.

Conditions:
Familial focal epilepsy with variable foci (FPEVF). Identifiers: Orphanet 98820, MedGen C1858477, MONDO:0020310.

gnomAD v4.1: 1 of 1,614,196 alleles (0.000062%); no homozygotes.

Submissions (2):

GeneDx
Classification: Uncertain significance. Last evaluated: 2025-08-06. Review status: criteria provided, single submitter. Criteria: GeneDx Variant Classification Process June 2021. Collection method: clinical testing. Allele origin: germline. Affected: yes.
Comment: Not observed at significant frequency in large population cohorts (gnomAD); In silico analysis suggests that this missense variant does not alter protein structure/function; Has not been previously published as pathogenic or benign to our knowledge

Labcorp Genetics (formerly Invitae), Labcorp
Classification: Uncertain significance for Familial focal epilepsy with variable foci. Last evaluated: 2023-02-26. Review status: criteria provided, single submitter. Criteria: Invitae Variant Classification Sherloc (09022015). Collection method: clinical testing. Allele origin: germline.
Comment: In summary, the available evidence is currently insufficient to determine the role of this variant in disease. Therefore, it has been classified as a Variant of Uncertain Significance. This variant is not present in population databases (gnomAD no frequency). This variant has not been reported in the literature in individuals affected with DEPDC5-related conditions. ClinVar contains an entry for this variant (Variation ID: 2040519). Experimental studies and prediction algorithms are not available or were not evaluated, and the functional significance of this variant is currently unknown. This sequence change replaces isoleucine, which is neutral and non-polar, with methionine, which is neutral and non-polar, at codon 630 of the DEPDC5 protein (p.Ile630Met).

NM_001242896.3(DEPDC5):c.1890C>G (p.Ile630Met)

Gene: DEPDC5 (DEP domain containing 5, GATOR1 subcomplex subunit; plus strand). Cytogenetic location: 22q12.3.
Variant type: single nucleotide variant.
Coding change: c.1890C>G on transcript NM_001242896.3 (MANE Select); coding-DNA position 1890, C replaced by G.
Protein change: p.Ile630Met; replaces isoleucine 630 with methionine.
Molecular consequence: missense variant. On other transcripts: non-coding transcript variant (4), intron variant (3).
Genome position (GRCh38, 1-based): chr22:31,821,521, C>G. VCF-style: chr22-31821521-C-G. GRCh37 (hg19) VCF-style: chr22-32217507-C-G.
Other names: c.1890C>G (NM_001242896.1); c.1890C>G, p.Ile630Met (NM_001136029.4, NM_001363852.2, NM_001364318.2 and 3 more transcripts); c.1806C>G, p.Ile602Met (NM_001369901.1, NM_001369902.1); c.1870+2296C>G (NM_001363854.2, NM_001242897.2, NM_001364319.2); short protein forms I602M, I630M.
Identifiers: ClinVar variation 2040519 (VCV002040519.5), dbSNP rs2089695727, ClinGen allele CA411281730.